The following is an entry in ClinVar:

ClinVar aggregate classification (germline): Uncertain significance. Review status: criteria provided, multiple submitters, no conflicts (2 of 4 stars). 2 submissions from 2 submitters: Uncertain significance (2). Last evaluated 2026-06-02.

Conditions:
Multiple epiphyseal dysplasia, Al-Gazali type. Also called: Macrocephaly with multiple epiphyseal dysplasia and distinctive facies. Identifiers: Orphanet 166024, MedGen C1846722, MONDO:0011778, OMIM 607131.
Acrocallosal syndrome (ACLS). Also called: HALLUX DUPLICATION, POSTAXIAL POLYDACTYLY, AND ABSENCE OF CORPUS CALLOSUM; Schinzel syndrome 1; Absence of corpus callosum with unusual facial appearance, mental deficiency, duplication of the halluces and polydactyly. Identifiers: Orphanet 36, MedGen C0796147, MONDO:0008708, OMIM 200990.
Hydrolethalus syndrome 2 (HLS2). Identifiers: Orphanet 2189, MedGen C3279899, MONDO:0013585, OMIM 614120.

gnomAD v4.1: 39 of 1,538,834 alleles (0.0025%); highest among the groups gnomAD compares: East Asian, 0.093%; no homozygotes.

Submissions (2):

Women's Health and Genetics/Laboratory Corporation of America, LabCorp
Classification: Uncertain significance. Last evaluated: 2026-06-02. Review status: criteria provided, single submitter. Criteria: LabCorp Variant Classification Summary - May 2015. Collection method: clinical testing. Allele origin: germline.
Comment: Variant summary: KIF7 c.911C>G (p.Ser304Cys) results in a non-conservative amino acid change in the encoded protein sequence. Algorithms developed to predict the effect of missense changes on protein structure and function all suggest that this variant is likely to be disruptive. The variant allele was found at a frequency of 7e-06 in 143202 control chromosomes. The available data on variant occurrences in the general population are insufficient to allow any conclusion about variant significance. To our knowledge, no occurrence of c.911C>G in individuals affected with KIF7-related conditions and no experimental evidence demonstrating its impact on protein function have been reported. ClinVar contains an entry for this variant (Variation ID: 3578125). Based on the evidence outlined above, the variant was classified as uncertain significance.

Fulgent Genetics
Classification: Uncertain significance for Acrocallosal syndrome; Multiple epiphyseal dysplasia, Al-Gazali type; Hydrolethalus syndrome 2. Last evaluated: 2024-02-07. Review status: criteria provided, single submitter. Criteria: ACMG Guidelines, 2015. Collection method: clinical testing. Allele origin: germline.

NM_198525.3(KIF7):c.911C>G (p.Ser304Cys)

Gene: KIF7 (kinesin family member 7; minus strand). Cytogenetic location: 15q26.1.
Variant type: single nucleotide variant.
Coding change: c.911C>G on transcript NM_198525.3 (MANE Select); coding-DNA position 911, C replaced by G.
Protein change: p.Ser304Cys; replaces serine 304 with cysteine.
Molecular consequence: missense variant.
Genome position (GRCh38, 1-based): chr15:89,648,986, G>C on the plus strand (C>G on the coding strand, the complement: KIF7 is on the minus strand). VCF-style: chr15-89648986-G-C. GRCh37 (hg19) VCF-style: chr15-90192217-G-C.
Other names: short protein forms S304C.
Identifiers: ClinVar variation 3578125 (VCV003578125.2).
Genomic context (GRCh38, chr15:89,648,986, plus strand): 5'-CCCGCCTCCCCGGCCCCCAGGCCACATAGGAGCCAGGGGGCAGCTCACCGGGTGATCTTG[G>C]AGTCGCGGTAGGGTATGTGGCTGCCCCGGCGCTGAGGGTCCCCCAGGGCGCTGATGACGT-3'
Protein context (NP_940927.2, residues 294-314): RRGSHIPYRD[Ser304Cys]KITRILKDSL